The following is an entry in ClinVar:

NM_000147.5(FUCA1):c.679_683dup (p.Trp228Ter)

Gene: FUCA1 (alpha-L-fucosidase 1; minus strand). Cytogenetic location: 1p36.11.
Variant type: Microsatellite.
Coding change: c.679_683dup on transcript NM_000147.5 (MANE Select); coding-DNA positions 679 to 683, 5 bases duplicated (ATCTG; older notation c.679_683dupATCTG).
Protein change: p.Trp228Ter; replaces tryptophan 228 with a stop codon.
Molecular consequence: nonsense. On other transcripts: non-coding transcript variant (4).
Genome position (GRCh38, 1-based): chr1:23,859,883-23,859,887, CAGAT duplicated on the plus strand (ATCTG on the coding strand, the reverse complement: FUCA1 is on the minus strand); duplicating any 5 consecutive bases within chr1:23,859,883-23,859,895 gives the same sequence; the c. name uses the placement nearest the transcript's 3' end. VCF-style (leftmost placement, unchanged base first): chr1-23859882-C-CCAGAT. GRCh37 (hg19) VCF-style: chr1-24186372-C-CCAGAT.
Other names: short protein forms W228*.
Identifiers: ClinVar variation 2745354 (VCV002745354.3), dbSNP rs1267309141, ClinGen allele CA2697552280.

ClinVar aggregate classification (germline): Pathogenic (1 of 4 stars; one submission).

Conditions:
Fucosidosis. Also called: ALPHA-L-FUCOSIDASE DEFICIENCY. Identifiers: Orphanet 349, MedGen C0016788, MONDO:0009254, OMIM 230000.

Submission:

Labcorp Genetics (formerly Invitae), Labcorp
Classification: Pathogenic for Fucosidosis. Last evaluated: 2023-11-17. Review status: criteria provided, single submitter. Criteria: Invitae Variant Classification Sherloc (09022015). Collection method: clinical testing. Allele origin: germline.
Comment: This sequence change creates a premature translational stop signal (p.Trp228*) in the FUCA1 gene. It is expected to result in an absent or disrupted protein product. Loss-of-function variants in FUCA1 are known to be pathogenic (PMID: 10094192). This variant is not present in population databases (gnomAD no frequency). This variant has not been reported in the literature in individuals affected with FUCA1-related conditions. For these reasons, this variant has been classified as Pathogenic.

Literature cited by the submitters: PubMed 10094192.